The following is an entry in ClinVar:

ClinVar aggregate classification (germline): Uncertain significance (1 of 4 stars; one submission).

Conditions:
Short stature. Identifiers: MedGen C0349588, HP:0004322.

Submission:

Clinical Genetics Laboratory, Skane University Hospital Lund
Classification: Uncertain significance for Short stature. Last evaluated: 2024-05-30. Review status: criteria provided, single submitter. Criteria: ACMG Guidelines, 2015. Collection method: clinical testing. Allele origin: germline. Affected: yes.
Comment: PM2, PP3

NM_002181.4(IHH):c.366G>T (p.Trp122Cys)

Gene: IHH (Indian hedgehog signaling molecule; minus strand). Cytogenetic location: 2q35.
Variant type: single nucleotide variant.
Coding change: c.366G>T on transcript NM_002181.4 (MANE Select); coding-DNA position 366, G replaced by T.
Protein change: p.Trp122Cys; replaces tryptophan 122 with cysteine.
Molecular consequence: missense variant.
Genome position (GRCh38, 1-based): chr2:219,057,644, C>A on the plus strand (G>T on the coding strand, the complement: IHH is on the minus strand). VCF-style: chr2-219057644-C-A. GRCh37 (hg19) VCF-style: chr2-219922366-C-A.
Other names: short protein forms W122C.
Identifiers: ClinVar variation 3767239 (VCV003767239.1).